The following is an entry in ClinVar:

NM_001352514.2(HLCS):c.95C>T (p.Ser32Leu)

Genes: HLCS (holocarboxylase synthetase; minus strand), HLCS-AS1 (HLCS antisense RNA 1; plus strand). Cytogenetic location: 21q22.13.
Variant type: single nucleotide variant.
Coding change: c.95C>T on transcript NM_001352514.2 (MANE Select); coding-DNA position 95, C replaced by T.
Protein change: p.Ser32Leu; replaces serine 32 with leucine.
Molecular consequence: missense variant. On other transcripts: 5 prime UTR variant (1), intron variant (5).
Genome position (GRCh38, 1-based): chr21:36,966,544, G>A on the plus strand (C>T on the coding strand, the complement: HLCS is on the minus strand). VCF-style: chr21-36966544-G-A. GRCh37 (hg19) VCF-style: chr21-38338844-G-A.
Other names: c.-1302C>T (NM_001242784.3); c.-246-4374C>T (NM_001352517.1, NM_001352515.2, NM_001352516.2); c.-392-4374C>T (NM_001242785.2, NM_000411.8); short protein forms S32L.
Identifiers: ClinVar variation 1050444 (VCV001050444.1), dbSNP rs911599606, ClinGen allele CA320371426.

ClinVar aggregate classification (germline): Uncertain significance (0 of 4 stars; one submission).

gnomAD v4.1: 35 of 1,001,044 alleles (0.0035%); highest among the groups gnomAD compares: African/African-American, 0.03%; no homozygotes.

Submission:

Department of Pathology and Laboratory Medicine, Sinai Health System
Classification: Uncertain significance. Review status: no assertion criteria provided. Collection method: clinical testing. Allele origin: unknown. Affected: yes. Study: The Canadian Open Genetics Repository (COGR).
Comment: The HLCS p.Ser32Leu variant was not identified in the literature nor was it identified in ClinVar or LOVD 3.0. The variant was identified in dbSNP (ID: rs911599606) and in control databases in 3 of 30456 chromosomes at a frequency of 0.0000985 (Genome Aggregation Database March 6, 2019, v2.1.1). The variant was observed in the following populations: African in 2 of 8436 chromosomes (freq: 0.000237) and European (non-Finnish) in 1 of 15318 chromosomes (freq: 0.000065), but was not observed in the Latino, Ashkenazi Jewish, East Asian, European (Finnish), Other, or South Asian populations. The p.Ser32 residue is conserved in mammals but not in more distantly related organisms however computational analyses (SIFT, AlignGVGD, BLOSUM, MutationTaster) provide inconsistent predictions regarding the impact to the protein; this information is not very predictive of pathogenicity. The variant occurs outside of the splicing consensus sequence and in silico or computational prediction software programs (SpliceSiteFinder, MaxEntScan, NNSPLICE, GeneSplicer) do not predict a difference in splicing. In summary, based on the above information the clinical significance of this variant cannot be determined with certainty at this time. This variant is classified as a variant of uncertain significance.